The following is an entry in ClinVar:

ClinVar aggregate classification (germline): Likely benign (1 of 4 stars; one submission).

Allele frequency attached by ClinVar (database versions not stated): TOPMed below 0.00001; gnomAD exomes 0.00001; ExAC 0.00002; ESP Exome Variant Server 0.00008.

Submission:

CeGaT Center for Human Genetics Tuebingen
Classification: Likely benign. Last evaluated: 2024-02-01. Review status: criteria provided, single submitter. Criteria: CeGaT Center For Human Genetics Tuebingen Variant Classification Criteria Version 2. Collection method: clinical testing. Allele origin: germline. Affected: yes. Observed: 1 variant allele.
Comment: CENPE: BP4, BP7

NM_001813.3(CENPE):c.3687A>G (p.Thr1229=)

Gene: CENPE (centromere protein E; minus strand). Cytogenetic location: 4q24.
Variant type: single nucleotide variant.
Coding change: c.3687A>G on transcript NM_001813.3 (MANE Select); coding-DNA position 3687, A replaced by G.
Protein change: p.Thr1229=; no amino-acid change (threonine 1229 retained).
Molecular consequence: synonymous variant.
Genome position (GRCh38, 1-based): chr4:103,149,118, T>C on the plus strand (A>G on the coding strand, the complement: CENPE is on the minus strand). VCF-style: chr4-103149118-T-C. GRCh37 (hg19) VCF-style: chr4-104070275-T-C.
Other names: c.3612A>G, p.Thr1204= (NM_001286734.2).
Identifiers: ClinVar variation 3025726 (VCV003025726.22), dbSNP rs200257449, ClinGen allele CA3030021.
Genomic context (GRCh38, chr4:103,149,118, plus strand): 5'-CCAAGTGGCTCAGATTTTAAAAGAAACACTTAATAGATGAAGGAAAAGGGTATAACTTAC[T>C]GTAGCTTCAATTTCTCTTATATATCCTCTAAGGTGGTCTCTCTCTGTTTCAAATGACTTC-3'
Protein context (NP_001804.2, residues 1219-1239): LRGYIREIEA[Thr1229=]GLQTKEELKI